The following is an entry in ClinVar:

NM_000492.4(CFTR):c.1516A>C (p.Ile506Leu)

Genes: CFTR (CF transmembrane conductance regulator; plus strand), CFTR-AS1 (CFTR antisense RNA 1; minus strand). Cytogenetic location: 7q31.2.
Variant type: single nucleotide variant.
Coding change: c.1516A>C on transcript NM_000492.4 (MANE Select); coding-DNA position 1516, A replaced by C.
Protein change: p.Ile506Leu; replaces isoleucine 506 with leucine.
Molecular consequence: missense variant.
Genome position (GRCh38, 1-based): chr7:117,559,587, A>C. VCF-style: chr7-117559587-A-C. GRCh37 (hg19) VCF-style: chr7-117199641-A-C.
Other names: short protein forms I506L.
Identifiers: ClinVar variation 53275 (VCV000053275.14), dbSNP rs1800091, ClinGen allele CA326519.

ClinVar aggregate classification (germline): Pathogenic/Likely pathogenic. Review status: criteria provided, multiple submitters, no conflicts (2 of 4 stars). 10 submissions from 9 submitters: Pathogenic (3); Likely pathogenic (6). 1 of the submissions does not count toward it. Last evaluated 2026-04-13.

Conditions:
CFTR-related disorder (CFTR-RD). Also called: CFTR-related disorders; CFTR-related condition. Identifiers: MedGen C5924204, MONDO:7770004.
Cystic fibrosis (CF). Also called: MUCOVISCIDOSIS. Identifiers: Orphanet 586, MedGen C0010674, MONDO:0009061, OMIM 219700. Disease mechanism: loss of function.
Congenital bilateral aplasia of vas deferens from CFTR mutation (CBAVD). Identifiers: Orphanet 48, MedGen C0403814, MONDO:0010178, OMIM 277180. Disease mechanism: loss of function.
Bronchiectasis with or without elevated sweat chloride 1 (BESC1). Also called: Cystic Fibrosis-Like Syndrome. Identifiers: Orphanet 60033, MedGen C2749757, MONDO:0008887, OMIM 211400.

gnomAD v4.1: 6 of 1,612,486 alleles (0.00037%); highest among the groups gnomAD compares: Non-Finnish European, 0.00051%; no homozygotes.

Submissions (10):

Ambry Genetics
Classification: Pathogenic for Cystic fibrosis. Last evaluated: 2026-04-13. Review status: criteria provided, single submitter. Criteria: Ambry Variant Classification Scheme 2023. Collection method: clinical testing. Allele origin: germline.
Comment: The p.I506L pathogenic mutation (also known as c.1516A>C), located in coding exon 11 of the CFTR gene, results from an A to C substitution at nucleotide position 1516. The isoleucine at codon 506 is replaced by leucine, an amino acid with highly similar properties. This variant has been identified in conjunction with other CFTR variants in individuals who met clinical criteria for cystic fibrosis or CFTR-related disorders; in at least one instance, the variants were identified in trans (Munck A et al. Pediatr Pulmonol, 2020 Apr;55:918-928; Strandvik B et al. Genet Test, 2001;5:235-42). This variant has been reported in multiple individuals with an elevated sweat chloride level in The Clinical and Functional TRanslation of CFTR (CFTR2) database (available at CFTR2. Accessed 04/09/2026). In an assay testing CFTR function, this variant showed a functionally abnormal result (Bihler H et al. J Cyst Fibros, 2024 Jul;23:664-675). This amino acid position is highly conserved in available vertebrate species. In addition, this alteration is predicted to be deleterious by in silico analysis. Based on the supporting evidence, this variant is interpreted as a disease-causing mutation.

Women's Health and Genetics/Laboratory Corporation of America, LabCorp
Classification: Pathogenic for Cystic fibrosis. Last evaluated: 2024-08-05. Review status: criteria provided, single submitter. Criteria: LabCorp Variant Classification Summary - May 2015. Collection method: clinical testing. Allele origin: germline.
Comment: Variant summary: CFTR c.1516A>C (p.Ile506Leu) results in a conservative amino acid change located in the ABC transporter-like, ATP-binding domain (IPR003439) of the encoded protein sequence. Four of five in-silico tools predict a damaging effect of the variant on protein function. The variant allele was found at a frequency of 8e-06 in 251282 control chromosomes. c.1516A>C has been reported in the literature in individuals affected with Cystic Fibrosis (e.g. Strandvik_2001, Nunck_2020). These data indicate that the variant may be associated with disease. A different variant affecting the same codon has been classified as pathogenic by our lab (c.1517T>C, P.Ile506Thr), supporting the critical relevance of codon 506 to CFTR protein function. At least one publication reports experimental evidence that this variant results in significantly decreased chloride conductance compared to wildtype in vitro (e.g. Bihler_2024). The following publications have been ascertained in the context of this evaluation (PMID: 38388235, 31916691, 11788090). ClinVar contains an entry for this variant (Variation ID: 53275). Based on the evidence outlined above, the variant was classified as pathogenic.

Natera, Inc.
Classification: Likely pathogenic for CFTR-related disorders. Last evaluated: 2024-04-16. Review status: criteria provided, single submitter. Criteria: Natera Variant Classification Schema (03/2026). Collection method: clinical testing. Allele origin: germline.
Comment: The c.1516A>C variant in CFTR is a missense variant predicted to cause substitution of isoleucine to leucine at amino acid 506. This variant is rare in the general population with a frequency below the threshold expected for the associated phenotype(s). This variant has been observed in one or more individuals affected with the associated recessive disease, as either homozygous or compound heterozygous with a second variant (PMID: 11788090, 11252402, 31916691, 24862724). Functional studies show that this variant may disrupt protein function (PMID: 38388235). A different variant at the same position has been determined to be Pathogenic or Likely Pathogenic. Computational prediction algorithms indicate this variant is likely to affect gene or protein function. Given the available evidence, this variant is classified as Likely Pathogenic.

ARUP Laboratories, Molecular Genetics and Genomics, ARUP Laboratories
Classification: Likely pathogenic for Cystic fibrosis. Last evaluated: 2024-03-07. Review status: criteria provided, single submitter. Criteria: ARUP Molecular Germline Variant Investigation Process 2024. Collection method: clinical testing. Allele origin: germline.
Comment: The CFTR c.1516A>C; p.Ile506Leu variant (rs1800091) has been identified with a pathogenic severe variant on the opposite chromosome in two individuals with cystic fibrosis (Strandvik 2001). Both individuals were diagnosed later in adulthood and presented with high sweat chlorides, severe lung disease, and pancreatic sufficiency. This variant is also reported in ClinVar (Variation ID: 53275). It is only found on two alleles in the Genome Aggregation Database, indicating it is not a common polymorphism (V2.1.1). Computational analyses predict that this variant is deleterious (REVEL: 0.886). Additionally, other amino acid substitutions at this codon (Met, Ser, Thr) have been reported in individuals with cystic fibrosis (Castellani 2008, Chevalier-Porst 1994, Deufel 1994). Based on available information, the p.Ile506Leu variant is considered to be likely pathogenic. References: Castellani C et al. Consensus on the use and interpretation of cystic fibrosis mutation analysis in clinical practice. J Cyst Fibros. 2008 May;7(3):179-96. PMID: 18456578. Chevalier-Porst F et al. Mutation analysis in 600 French cystic fibrosis patients. J Med Genet. 1994 Jul;31(7):541-4. PMID: 7525963. Deufel A et al. Three novel mutations (I506S, S466X, 1651A-->T) in exon 10 of the cystic fibrosis transmembrane conductance regulator (CFTR) detected in patients of southern German descent. Hum Mutat. 1994;3(1):64-6. PMID: 7509683. Strandvik B et al. Spectrum of mutations in the CFTR gene of patients with classical and atypical forms of cystic fibrosis from southwestern Sweden: identification of 12 novel mutations. Genet Test. 2001 Fall;5(3):235-42. PMID: 11788090.

Labcorp Genetics (formerly Invitae), Labcorp
Classification: Likely pathogenic for Cystic fibrosis. Last evaluated: 2023-08-21. Review status: criteria provided, single submitter. Criteria: Invitae Variant Classification Sherloc (09022015). Collection method: clinical testing. Allele origin: germline.
Comment: In summary, the currently available evidence indicates that the variant is pathogenic, but additional data are needed to prove that conclusively. Therefore, this variant has been classified as Likely Pathogenic. This variant disrupts the p.Ile506 amino acid residue in CFTR. Other variant(s) that disrupt this residue have been observed in individuals with CFTR-related conditions (PMID: 7509683, 7525963, 11788090), which suggests that this may be a clinically significant amino acid residue. Advanced modeling of protein sequence and biophysical properties (such as structural, functional, and spatial information, amino acid conservation, physicochemical variation, residue mobility, and thermodynamic stability) performed at Invitae indicates that this missense variant is expected to disrupt CFTR protein function. ClinVar contains an entry for this variant (Variation ID: 53275). This missense change has been observed in individuals with cystic fibrosis (PMID: 11788090, 16678395). This variant is present in population databases (rs1800091, gnomAD 0.002%). This sequence change replaces isoleucine, which is neutral and non-polar, with leucine, which is neutral and non-polar, at codon 506 of the CFTR protein (p.Ile506Leu).

Baylor Genetics
Classification: Likely pathogenic for Bronchiectasis with or without elevated sweat chloride 1. Last evaluated: 2023-05-22. Review status: criteria provided, single submitter. Criteria: ACMG Guidelines, 2015. Collection method: clinical testing. Allele origin: unknown.

Johns Hopkins Genomics, Johns Hopkins University
Classification: Likely pathogenic for Cystic fibrosis. Last evaluated: 2023-04-14. Review status: criteria provided, single submitter. Criteria: ACMG Guidelines, 2015. Collection method: clinical testing. Allele origin: germline.

Clinical Genetics and Genomics, Karolinska University Hospital
Classification: Pathogenic. Last evaluated: 2017-02-10. Review status: criteria provided, single submitter. Criteria: ACMG Guidelines, 2015. Collection method: clinical testing. Allele origin: germline. Affected: yes. Observed: 2 variant alleles.

Baylor Genetics
Classification: Likely pathogenic for Congenital bilateral aplasia of vas deferens from CFTR mutation; Cystic fibrosis. Review status: criteria provided, single submitter. Criteria: ACMG Guidelines, 2015. Collection method: clinical testing. Allele origin: germline.

ClinVar Staff, National Center for Biotechnology Information (NCBI)
No classification provided. Condition: CFTR-related disorders. Review status: no classification provided. Collection method: literature only. Allele origin: germline. Affected: yes. Not counted in ClinVar's aggregate classification.

Literature cited by the submitters: PubMed 11788090 (cited by 6 submitters); PubMed 31916691 (cited by 3 submitters); PubMed 38388235 (cited by 3 submitters); PubMed 11252402 (cited by Natera, Inc.); PubMed 24862724 (cited by Natera, Inc.); PubMed 7509683 (cited by Labcorp Genetics (formerly Invitae), Labcorp and Johns Hopkins Genomics, Johns Hopkins University); PubMed 7525963 (cited by Labcorp Genetics (formerly Invitae), Labcorp); PubMed 16678395 (cited by Labcorp Genetics (formerly Invitae), Labcorp); PubMed 14685259 (cited by Johns Hopkins Genomics, Johns Hopkins University).